The following is an entry in ClinVar:

NM_003036.4(SKI):c.1189C>G (p.Leu397Val)

Gene: SKI (SKI proto-oncogene; plus strand). Cytogenetic location: 1p36.32.
Variant type: single nucleotide variant.
Coding change: c.1189C>G on transcript NM_003036.4 (MANE Select); coding-DNA position 1189, C replaced by G.
Protein change: p.Leu397Val; replaces leucine 397 with valine.
Molecular consequence: missense variant.
Genome position (GRCh38, 1-based): chr1:2,303,378, C>G. VCF-style: chr1-2303378-C-G. GRCh37 (hg19) VCF-style: chr1-2234817-C-G.
Other names: short protein forms L397V.
Identifiers: ClinVar variation 1744259 (VCV001744259.3), dbSNP rs371268096, ClinGen allele CA337954611.

ClinVar aggregate classification (germline): Uncertain significance (1 of 4 stars; one submission).

Conditions:
Familial thoracic aortic aneurysm and aortic dissection (TAAD). Also called: Thoracic aortic aneurysms and dissections. Identifiers: Orphanet 91387, MedGen C4707243, MONDO:0019625.

Allele frequency attached by ClinVar (database versions not stated): gnomAD 0.00001.
gnomAD v4.1: 2 of 1,613,202 alleles (0.00012%); highest among the groups gnomAD compares: African/African-American, 0.0027%; no homozygotes.

Submission:

Ambry Genetics
Classification: Uncertain significance for Familial thoracic aortic aneurysm and aortic dissection. Last evaluated: 2022-04-19. Review status: criteria provided, single submitter. Criteria: Ambry Variant Classification Scheme 2023. Collection method: clinical testing. Allele origin: germline.
Comment: The p.L397V variant (also known as c.1189C>G), located in coding exon 3 of the SKI gene, results from a C to G substitution at nucleotide position 1189. The leucine at codon 397 is replaced by valine, an amino acid with highly similar properties. This amino acid position is conserved. In addition, the in silico prediction for this alteration is inconclusive. Since supporting evidence is limited at this time, the clinical significance of this alteration remains unclear.